The following is an entry in ClinVar:

ClinVar aggregate classification (germline): Likely benign. Review status: criteria provided, multiple submitters, no conflicts (2 of 4 stars). 3 submissions from 3 submitters: Likely benign (3). Last evaluated 2026-01-09.

Conditions:
PLEC-related disorder. Also called: PLEC-related disorders; PLEC-related condition.
Autosomal recessive limb-girdle muscular dystrophy type 2Q (LGMDR17). Also called: MUSCULAR DYSTROPHY, LIMB-GIRDLE, AUTOSOMAL RECESSIVE 17. Identifiers: Orphanet 254361, MedGen C3150989, MONDO:0013390, OMIM 613723.
Epidermolysis bullosa simplex 5B, with muscular dystrophy (EBS5B). Also called: EPIDERMOLYSIS BULLOSA SIMPLEX AND LIMB-GIRDLE MUSCULAR DYSTROPHY; Epidermolysis bullosa simplex with muscular dystrophy. Identifiers: Orphanet 257, MedGen C2931072, MONDO:0009181, OMIM 226670.
Epidermolysis bullosa simplex with nail dystrophy (EBS5D). Identifiers: MedGen C4225309, MONDO:0014661, OMIM 616487.
Epidermolysis bullosa simplex, Ogna type (EBS5A). Also called: Pidermolysis bullosa simplex 5A, Ogna type; EPIDERMOLYSIS BULLOSA SIMPLEX 5A, OGNA TYPE. Identifiers: Orphanet 79401, MedGen C0432317, MONDO:0007555, OMIM 131950.
Epidermolysis bullosa simplex 5C, with pyloric atresia (EBS5C). Also called: PLEC1-Related Epidermolysis Bullosa with Pyloric Atresia; PLEC-Related Epidermolysis Bullosa with Pyloric Atresia; Epidermolysis bullosa simplex with pyloric atresia. Identifiers: Orphanet 158684, MedGen C2677349, MONDO:0012807, OMIM 612138.

Allele frequency attached by ClinVar (database versions not stated): gnomAD exomes 0.00005 and 0.00013; ExAC 0.00016; gnomAD 0.00018; TOPMed 0.00018; 1000 Genomes Project 30x 0.00031; ESP Exome Variant Server 0.00031; 1000 Genomes Project 0.00040.
gnomAD v4.1: 97 of 1,602,408 alleles (0.0061%); highest among the groups gnomAD compares: East Asian, 0.054%; 1 homozygote.

Submissions (3):

PreventionGenetics, part of Exact Sciences
Classification: Likely benign for PLEC-related condition. Last evaluated: 2026-01-09. Review status: criteria provided, single submitter. Criteria: ACMG Guidelines, 2015. Collection method: clinical testing. Allele origin: germline.
Comment: This variant is classified as likely benign based on ACMG/AMP sequence variant interpretation guidelines (Richards et al. 2015 PMID: 25741868, with internal and published modifications).

Labcorp Genetics (formerly Invitae), Labcorp
Classification: Likely benign for Autosomal recessive limb-girdle muscular dystrophy type 2Q; Epidermolysis bullosa simplex, Ogna type; Epidermolysis bullosa simplex with nail dystrophy; Epidermolysis bullosa simplex 5C, with pyloric atresia; Epidermolysis bullosa simplex 5B, with muscular dystrophy. Last evaluated: 2025-10-08. Review status: criteria provided, single submitter. Criteria: Invitae Variant Classification Sherloc (09022015). Collection method: clinical testing. Allele origin: germline.

GeneDx
Classification: Likely benign. Last evaluated: 2016-11-17. Review status: criteria provided, single submitter. Criteria: GeneDx Variant Classification (06012015). Collection method: clinical testing. Allele origin: germline. Affected: yes.
Comment: This variant is considered likely benign or benign based on one or more of the following criteria: it is a conservative change, it occurs at a poorly conserved position in the protein, it is predicted to be benign by multiple in silico algorithms, and/or has population frequency not consistent with disease.

NM_201384.3(PLEC):c.6756C>T (p.Arg2252=)

Gene: PLEC (plectin; minus strand). Cytogenetic location: 8q24.3.
Variant type: single nucleotide variant.
Coding change: c.6756C>T on transcript NM_201384.3 (MANE Select); coding-DNA position 6756, C replaced by T.
Protein change: p.Arg2252=; no amino-acid change (arginine 2252 retained).
Molecular consequence: synonymous variant.
Genome position (GRCh38, 1-based): chr8:143,923,173, G>A on the plus strand (C>T on the coding strand, the complement: PLEC is on the minus strand). VCF-style: chr8-143923173-G-A. GRCh37 (hg19) VCF-style: chr8-144997341-G-A.
Other names: c.6837C>T, p.Arg2279= (NM_000445.5); c.6714C>T, p.Arg2238= (NM_201378.4); c.6690C>T, p.Arg2230= (NM_201379.3); c.7167C>T, p.Arg2389= (NM_201380.4); c.6660C>T, p.Arg2220= (NM_201381.3); c.6756C>T, p.Arg2252= (NM_201382.4); c.6768C>T, p.Arg2256= (NM_201383.3).
Identifiers: ClinVar variation 390786 (VCV000390786.10), dbSNP rs372201917, ClinGen allele CA4925874.